The following is an entry in ClinVar:

ClinVar aggregate classification (germline): Pathogenic. Review status: reviewed by expert panel (3 of 4 stars). 8 submissions from 8 submitters: Pathogenic (1). 7 of the submissions do not count toward it. Last evaluated 2019-06-18.

Conditions:
Hereditary cancer-predisposing syndrome. Also called: Tumor predisposition; Neoplastic Syndromes, Hereditary; Hereditary neoplastic syndrome; Hereditary Cancer Syndrome. Identifiers: Orphanet 140162, MedGen C0027672, MeSH D009386, MONDO:0015356.
Hereditary breast ovarian cancer syndrome. Also called: Hereditary breast and ovarian cancer; Hereditary breast and ovarian cancer syndrome (HBOC); Hereditary breast and/or ovarian cancer syndrome; Breast and ovarian cancer; Hereditary breast and ovarian cancer syndrome; BRCA1- and BRCA2-Associated Hereditary Breast and Ovarian Cancer. Identifiers: Orphanet 145, MedGen C0677776, MeSH D061325, MONDO:0003582. Disease mechanism: loss of function.
Breast-ovarian cancer, familial, susceptibility to, 2 (BROVCA2). Also called: BRCA2 Hereditary Breast and Ovarian Cancer. Identifiers: Orphanet 145, MedGen C2675520, MONDO:0012933, OMIM 612555. Disease mechanism: loss of function.

Submissions (8):

Evidence-based Network for the Interpretation of Germline Mutant Alleles (ENIGMA)
Classification: Pathogenic for Breast-ovarian cancer, familial, susceptibility to, 2. Last evaluated: 2019-06-18. Review status: reviewed by expert panel. Criteria: ENIGMA BRCA1/2 Classification Criteria (2017-06-29). Collection method: curation. Allele origin: germline.
Comment: IARC class based on posterior probability from multifactorial likelihood analysis, thresholds for class as per Plon et al. 2008 (PMID: 18951446). Class 5 based on posterior probability = 0.996783

Labcorp Genetics (formerly Invitae), Labcorp
Classification: Likely pathogenic for Hereditary breast ovarian cancer syndrome. Last evaluated: 2025-09-10. Review status: criteria provided, single submitter. Criteria: Invitae Variant Classification Sherloc (09022015). Collection method: clinical testing. Allele origin: germline. Not counted in ClinVar's aggregate classification.
Comment: This sequence change affects an acceptor splice site in intron 20 of the BRCA2 gene. RNA analysis indicates that disruption of this splice site induces altered splicing and may result in an absent or altered protein product. This variant is not present in population databases (gnomAD no frequency). Disruption of this splice site has been observed in individual(s) with BRCA2-related conditions (PMID: 16619214, 22217648, 29446198). ClinVar contains an entry for this variant (Variation ID: 38172). Studies have shown that disruption of this splice site results in a 43 bp deletion at the beginning of exon 21 or a 93 bp insertion from intron 20 in combination with the 43-bp deletion of exon 21, and produces a non-functional protein and/or introduces a premature termination codon (PMID: 16619214). In summary, the currently available evidence indicates that the variant is pathogenic, but additional data are needed to prove that conclusively. Therefore, this variant has been classified as Likely Pathogenic.

All of Us Research Program, National Institutes of Health
Classification: Pathogenic for Breast-ovarian cancer, familial, susceptibility to, 2. Last evaluated: 2024-02-05. Review status: criteria provided, single submitter. Criteria: ACMG Guidelines, 2015. Collection method: clinical testing. Allele origin: germline. Inheritance: Autosomal dominant inheritance. Observed: 1 variant allele, 1 heterozygote. Not counted in ClinVar's aggregate classification.
Comment: This variant causes a A>G nucleotide substitution at the -2 position of intron 20 of the BRCA2 gene. An RNA study has shown that this variant produces two mutant transcript; a transcript that retains 93 nucleotides of intron 20 and deletes 43 nucleotides from exon 21 and a transcript that deletes 43 nucleotides from exon 21 (PMID: 16619214). Both transcripts create frameshifts and premature translation stop signals and are expected to result in absent or non-functional protein products (PMID: 16619214). A functional study has shown that this variant decreases cell viability and increases sensitivity to PARP inhibitors in mouse embryonic stem cells (PMID: 37922907). This variant has been reported in individuals affected with breast or ovarian cancer (PMID: 16619214, 28324225) and in a multifactorial analysis with segregation, tumor pathology, co-occurrence and family history likelihood ratios for pathogenicity of 1.294, 1.060, 1.050 and 6.655, respectively (PMID: 31131967). This variant has not been identified in the general population by the Genome Aggregation Database (gnomAD). Loss of BRCA2 function is a known mechanism of disease. Based on the available evidence, this variant is classified as Pathogenic.

This study involves interpretation of variants in research participants for the purpose of population health screening. Participant phenotype was not available at the time of variant classification. Additional details can be found in publication PMID: 35346344, PMCID: PMC8962531

Color Diagnostics, LLC DBA Color Health
Classification: Pathogenic for Hereditary cancer-predisposing syndrome. Last evaluated: 2023-11-14. Review status: criteria provided, single submitter. Criteria: ACMG Guidelines, 2015. Collection method: clinical testing. Allele origin: germline. Not counted in ClinVar's aggregate classification.
Comment: This variant causes a A>G nucleotide substitution at the -2 position of intron 20 of the BRCA2 gene. An RNA study has shown that this variant produces two mutant transcript; a transcript that retains 93 nucleotides of intron 20 and deletes 43 nucleotides from exon 21 and a transcript that deletes 43 nucleotides from exon 21 (PMID: 16619214). Both transcripts create frameshifts and premature translation stop signals and are expected to result in absent or non-functional protein products (PMID: 16619214). A functional study has shown that this variant decreases cell viability and increases sensitivity to PARP inhibitors in mouse embryonic stem cells (PMID: 37922907). This variant has been reported in individuals affected with breast or ovarian cancer (PMID: 16619214, 28324225) and in a multifactorial analysis with segregation, tumor pathology, co-occurrence and family history likelihood ratios for pathogenicity of 1.294, 1.060, 1.050 and 6.655, respectively (PMID: 31131967). This variant has not been identified in the general population by the Genome Aggregation Database (gnomAD). Loss of BRCA2 function is a known mechanism of disease. Based on the available evidence, this variant is classified as Pathogenic.

Ambry Genetics
Classification: Likely pathogenic for Hereditary cancer-predisposing syndrome. Last evaluated: 2021-02-05. Review status: criteria provided, single submitter. Criteria: Ambry Variant Classification Scheme 2023. Collection method: clinical testing. Allele origin: germline. Not counted in ClinVar's aggregate classification.
Comment: The c.8633-2A>G intronic variant results from an A to G substitution two nucleotides upstream from coding exon 20 in the BRCA2 gene. This alteration was identified in a cohort of German patients considered to be at increased risk for HBOC syndrome (Meisel C et al. Arch Gynecol Obstet. 2017 May;295:1227-1238). This alteration, described as c.8632-2A>G/IVS20-2A>G, was detected in a patient with early-onset ovarian cancer and a family history of breast and ovarian cancer; RT-PCR analysis demonstrated this alteration results in aberrant splicing (Chen X et al. Hum Mutat. 2006 May;27:427-35). This nucleotide position is highly conserved in available vertebrate species. In silico splice site analysis predicts that this alteration will weaken the native splice acceptor site. In addition to the clinical data presented in the literature, alterations that disrupt the canonical splice site are expected to cause aberrant splicing, resulting in an abnormal protein or a transcript that is subject to nonsense-mediated mRNA decay. As such, this alteration is classified as likely pathogenic.

Consortium of Investigators of Modifiers of BRCA1/2 (CIMBA), c/o University of Cambridge
Classification: Pathogenic for Breast-ovarian cancer, familial, susceptibility to, 2. Last evaluated: 2015-10-02. Review status: criteria provided, single submitter. Criteria: CIMBA Mutation Classification guidelines May 2016. Collection method: clinical testing. Allele origin: germline. Not counted in ClinVar's aggregate classification.

Sharing Clinical Reports Project (SCRP)
Classification: Pathogenic for Breast-ovarian cancer, familial 2. Last evaluated: 2006-05-19. Review status: no assertion criteria provided. Collection method: clinical testing. Allele origin: germline. Not counted in ClinVar's aggregate classification.

Breast Cancer Information Core (BIC) (BRCA2)
Classification: Pathogenic for Breast-ovarian cancer, familial 2. Last evaluated: 2003-12-23. Review status: no assertion criteria provided. Collection method: clinical testing. Allele origin: germline. Affected: yes. Observed: 1 variant allele. Not counted in ClinVar's aggregate classification.

Literature cited by the submitters: PubMed 31131967 (cited by 3 submitters); PubMed 16619214 (cited by 4 submitters); PubMed 22217648 (cited by Labcorp Genetics (formerly Invitae), Labcorp); PubMed 29446198 (cited by Labcorp Genetics (formerly Invitae), Labcorp); PubMed 28324225 (cited by 3 submitters); PubMed 37922907 (cited by All of Us Research Program, National Institutes of Health and Color Diagnostics, LLC DBA Color Health).

NM_000059.4(BRCA2):c.8633-2A>G

Gene: BRCA2 (BRCA2 DNA repair associated; plus strand). Cytogenetic location: 13q13.1.
Variant type: single nucleotide variant.
Coding change: c.8633-2A>G on transcript NM_000059.4 (MANE Select); the canonical splice acceptor site of the intron before coding-DNA position 8633, A replaced by G.
Molecular consequence: splice acceptor variant.
Genome position (GRCh38, 1-based): chr13:32,376,668, A>G. VCF-style: chr13-32376668-A-G. GRCh37 (hg19) VCF-style: chr13-32950805-A-G.
Other names: IVS20-2A>G; c.8633-2A>G (NM_001406720.1); c.8537-2A>G (NM_001406719.1); c.3701-2A>G (NM_001406721.1); c.2216-2A>G (NM_001406722.1).
Identifiers: ClinVar variation 38172 (VCV000038172.13), dbSNP rs81002886, ClinGen allele CA025749.